The following is an entry in ClinVar:

NM_018139.3(DNAAF2):c.1076TCGCCG[3] (p.359VA[3])

Genes: DNAAF2 (dynein axonemal assembly factor 2; minus strand), LOC130055542 (ATAC-STARR-seq lymphoblastoid silent region 5699; plus strand). Cytogenetic location: 14q21.3.
Variant type: Microsatellite.
Coding change: c.1076TCGCCG[3] on transcript NM_018139.3 (MANE Select); three copies in a row of the 6-base unit TCGCCG starting at c.1076; the reference has two copies in a row; one copy, 6 bases duplicated; also written c.1082_1087dup.
Protein change: p.359VA[3].
Molecular consequence: inframe insertion.
Genome position (GRCh38, 1-based): chr14:49,634,063-49,634,068, CGGCGA duplicated on the plus strand (TCGCCG on the coding strand, the reverse complement: DNAAF2 is on the minus strand); duplicating any 6 consecutive bases within chr14:49,634,063-49,634,075 gives the same sequence; the position shown is the placement nearest the transcript's 3' end. VCF-style (leftmost placement, unchanged base first): chr14-49634062-G-GCGGCGA. GRCh37 (hg19) VCF-style: chr14-50100780-G-GCGGCGA.
Other names: c.1082_1087dup (NM_018139.2, NM_018139.3); c.1076TCGCCG[3], p.359VA[3] (NM_001083908.2).
Identifiers: ClinVar variation 569313 (VCV000569313.13), dbSNP rs962923283, ClinGen allele CA260668555.
Genomic context (GRCh38, chr14:49,634,062, plus strand): 5'-GCGGAAGCGCAGGCCTGGCCGTCAGTTCCGGACCGGTCCGCGGACTCTTCCGGCGCGGCG[G>GCGGCGA]CGGCGACGGCGACAGCGGGCTCCCGGCGCGCGGCCGGCAGCACCACTGGCAGCGTAACCA-3'

ClinVar aggregate classification (germline): Uncertain significance. Review status: criteria provided, multiple submitters, no conflicts (2 of 4 stars). 3 submissions from 3 submitters: Uncertain significance (3). Last evaluated 2025-08-15.

Conditions:
Primary ciliary dyskinesia. Also called: Ciliary dyskinesia. Identifiers: Orphanet 244, MedGen C0008780, MONDO:0016575, HP:0012265.
Primary ciliary dyskinesia 10. Also called: CILIARY DYSKINESIA, PRIMARY, 10, WITH OR WITHOUT SITUS INVERSUS. Identifiers: Orphanet 244, MedGen C2675867, MONDO:0012918, OMIM 612518.

Submissions (3):

Ambry Genetics
Classification: Uncertain significance for Primary ciliary dyskinesia. Last evaluated: 2025-08-15. Review status: criteria provided, single submitter. Criteria: Ambry Variant Classification Scheme 2023. Collection method: clinical testing. Allele origin: germline.
Comment: The c.1082_1087dupTCGCCG variant (also known as p.A362_A363insVA), located in coding exon 1 of the DNAAF2 gene, results from an in-frame duplication of TCGCCG at nucleotide positions 1082 to 1087. This results in the duplication of 2 extra residues (valine and alanine) between codons 362 and 363. This variant was reported in individual(s) with features consistent with primary ciliary dyskinesia (De Jes&uacute;s-Rojas W et al. Diagnostics (Basel), 2022 May;12:). This amino acid region is conserved in available vertebrate species. In addition, this variant is predicted to be neutral by in silico analysis (Choi Y et al. PLoS ONE. 2012; 7(10):e46688). Based on the available evidence, the clinical significance of this variant remains unclear.

Labcorp Genetics (formerly Invitae), Labcorp
Classification: Uncertain significance for Primary ciliary dyskinesia. Last evaluated: 2022-07-19. Review status: criteria provided, single submitter. Criteria: Invitae Variant Classification Sherloc (09022015). Collection method: clinical testing. Allele origin: germline.
Comment: This variant, c.1082_1087dup, results in the insertion of 2 amino acid(s) of the DNAAF2 protein (p.Val361_Ala362dup), but otherwise preserves the integrity of the reading frame. The frequency data for this variant in the population databases is considered unreliable, as metrics indicate poor data quality at this position in the gnomAD database. This variant has not been reported in the literature in individuals affected with DNAAF2-related conditions. ClinVar contains an entry for this variant (Variation ID: 569313). Experimental studies and prediction algorithms are not available or were not evaluated, and the functional significance of this variant is currently unknown. In summary, the available evidence is currently insufficient to determine the role of this variant in disease. Therefore, it has been classified as a Variant of Uncertain Significance.

Fulgent Genetics
Classification: Uncertain significance for Primary ciliary dyskinesia 10. Last evaluated: 2021-11-29. Review status: criteria provided, single submitter. Criteria: ACMG Guidelines, 2015. Collection method: clinical testing. Allele origin: unknown.

Literature cited by the submitters: PubMed 35626283 (cited by Ambry Genetics).